The following is an entry in ClinVar:

NM_014927.5(CNKSR2):c.2348A>G (p.Tyr783Cys)

Gene: CNKSR2 (connector enhancer of kinase suppressor of Ras 2; plus strand). Cytogenetic location: Xp22.12.
Variant type: single nucleotide variant.
Coding change: c.2348A>G on transcript NM_014927.5 (MANE Select); coding-DNA position 2348, A replaced by G.
Protein change: p.Tyr783Cys; replaces tyrosine 783 with cysteine.
Molecular consequence: missense variant.
Genome position (GRCh38, 1-based): chrX:21,609,273, A>G. VCF-style: chrX-21609273-A-G. GRCh37 (hg19) VCF-style: chrX-21627391-A-G.
Other names: c.2258A>G, p.Tyr753Cys (NM_001168647.3, NM_001330773.2); c.2348A>G, p.Tyr783Cys (NM_001168648.3); c.2201A>G, p.Tyr734Cys (NM_001168649.3, NM_001330770.2); c.2111A>G, p.Tyr704Cys (NM_001330771.2, NM_001330772.2); short protein forms Y783C, Y753C, Y704C, Y734C.
Identifiers: ClinVar variation 4088058 (VCV004088058.2).

ClinVar aggregate classification (germline): Uncertain significance (1 of 4 stars; one submission).

Submission:

GeneDx
Classification: Uncertain significance. Last evaluated: 2026-04-27. Review status: criteria provided, single submitter. Criteria: GeneDx Variant Classification Process June 2021. Collection method: clinical testing. Allele origin: germline.
Comment: Not observed at significant frequency in large population cohorts (gnomAD); In silico analysis supports that this missense variant has a deleterious effect on protein structure/function; Has not been previously published as pathogenic or benign to our knowledge